The following is an entry in ClinVar:

ClinVar aggregate classification (germline): Uncertain significance (1 of 4 stars; one submission).

Conditions:
Pheochromocytoma. Also called: MAX-Related Hereditary Paraganglioma-Pheochromocytoma Syndrome. Identifiers: Orphanet 29072, MedGen C0031511, MONDO:0008233, OMIM 171300, HP:0002666.
Paragangliomas with sensorineural hearing loss. Identifiers: MedGen C1868633.
Carney-Stratakis syndrome. Also called: PARAGANGLIOMA AND GASTROINTESTINAL STROMAL TUMOR. Identifiers: Orphanet 97286, MedGen C1847319, MONDO:0011740, OMIM 606864.
Cowden syndrome 3 (CWS3). Identifiers: Orphanet 201, MedGen CN166604, MONDO:0014045.

Submission:

Labcorp Genetics (formerly Invitae), Labcorp
Classification: Uncertain significance for Carney-Stratakis syndrome; Paragangliomas with sensorineural hearing loss; Pheochromocytoma; Cowden syndrome 3. Last evaluated: 2025-10-13. Review status: criteria provided, single submitter. Criteria: Invitae Variant Classification Sherloc (09022015). Collection method: clinical testing. Allele origin: germline.
Comment: This sequence change replaces proline, which is neutral and non-polar, with serine, which is neutral and polar, at codon 39 of the SDHD protein (p.Pro39Ser). This variant is not present in population databases (gnomAD no frequency). This variant has not been reported in the literature in individuals affected with SDHD-related conditions. ClinVar contains an entry for this variant (Variation ID: 2934640). Invitae Evidence Modeling of protein sequence and biophysical properties (such as structural, functional, and spatial information, amino acid conservation, physicochemical variation, residue mobility, and thermodynamic stability) indicates that this missense variant is not expected to disrupt SDHD protein function with a negative predictive value of 95%. In summary, the available evidence is currently insufficient to determine the role of this variant in disease. Therefore, it has been classified as a Variant of Uncertain Significance.

NM_003002.4(SDHD):c.115C>T (p.Pro39Ser)

Gene: SDHD (succinate dehydrogenase complex subunit D; plus strand). Cytogenetic location: 11q23.1.
Variant type: single nucleotide variant.
Coding change: c.115C>T on transcript NM_003002.4 (MANE Select); coding-DNA position 115, C replaced by T.
Protein change: p.Pro39Ser; replaces proline 39 with serine.
Molecular consequence: missense variant. On other transcripts: non-coding transcript variant (1), intron variant (1).
Genome position (GRCh38, 1-based): chr11:112,087,919, C>T. VCF-style: chr11-112087919-C-T. GRCh37 (hg19) VCF-style: chr11-111958643-C-T.
Other names: c.115C>T, p.Pro39Ser (NM_001276503.2, NM_001276506.2); c.53-948C>T (NM_001276504.2); short protein forms P39S.
Identifiers: ClinVar variation 2934640 (VCV002934640.3), dbSNP rs1043566340, ClinGen allele CA382617020.